The following is an entry in ClinVar:

ClinVar aggregate classification (germline): Uncertain significance (1 of 4 stars; one submission).

Conditions:
Hereditary nonpolyposis colorectal neoplasms. Identifiers: MedGen C0009405, MeSH D003123.

Submission:

Labcorp Genetics (formerly Invitae), Labcorp
Classification: Uncertain significance for Hereditary nonpolyposis colorectal neoplasms. Last evaluated: 2021-11-19. Review status: criteria provided, single submitter. Criteria: Invitae Variant Classification Sherloc (09022015). Collection method: clinical testing. Allele origin: germline.
Comment: This sequence change replaces aspartic acid, which is acidic and polar, with tyrosine, which is neutral and polar, at codon 1046 of the MSH6 protein (p.Asp1046Tyr). This variant is not present in population databases (gnomAD no frequency). This variant has not been reported in the literature in individuals affected with MSH6-related conditions. Advanced modeling of protein sequence and biophysical properties (such as structural, functional, and spatial information, amino acid conservation, physicochemical variation, residue mobility, and thermodynamic stability) performed at Invitae indicates that this missense variant is not expected to disrupt MSH6 protein function. Algorithms developed to predict the effect of sequence changes on RNA splicing suggest that this variant may create or strengthen a splice site. In summary, the available evidence is currently insufficient to determine the role of this variant in disease. Therefore, it has been classified as a Variant of Uncertain Significance.

NM_000179.3(MSH6):c.3136G>T (p.Asp1046Tyr)

Gene: MSH6 (mutS homolog 6; plus strand). Cytogenetic location: 2p16.3.
Variant type: single nucleotide variant.
Coding change: c.3136G>T on transcript NM_000179.3 (MANE Select); coding-DNA position 3136, G replaced by T.
Protein change: p.Asp1046Tyr; replaces aspartic acid 1046 with tyrosine.
Molecular consequence: missense variant.
Genome position (GRCh38, 1-based): chr2:47,801,119, G>T. VCF-style: chr2-47801119-G-T. GRCh37 (hg19) VCF-style: chr2-48028258-G-T.
Other names: c.2746G>T, p.Asp916Tyr (NM_001281492.2); c.2230G>T, p.Asp744Tyr (NM_001281493.2, NM_001281494.2); short protein forms D744Y, D1046Y, D916Y.
Identifiers: ClinVar variation 1494933 (VCV001494933.6), dbSNP rs2104442043, ClinGen allele CA346756677.